The following is an entry in ClinVar:

NM_001845.6(COL4A1):c.3715G>A (p.Gly1239Arg)

Gene: COL4A1 (collagen type IV alpha 1 chain; minus strand). Cytogenetic location: 13q34.
Variant type: single nucleotide variant.
Coding change: c.3715G>A on transcript NM_001845.6 (MANE Select); coding-DNA position 3715, G replaced by A.
Protein change: p.Gly1239Arg; replaces glycine 1239 with arginine.
Molecular consequence: missense variant.
Genome position (GRCh38, 1-based): chr13:110,170,574, C>T on the plus strand (G>A on the coding strand, the complement: COL4A1 is on the minus strand). VCF-style: chr13-110170574-C-T. GRCh37 (hg19) VCF-style: chr13-110822921-C-T.
Other names: short protein forms G1239R.
Identifiers: ClinVar variation 426610 (VCV000426610.8), dbSNP rs1085307709, ClinGen allele CA388662309.

ClinVar aggregate classification (germline): Pathogenic. Review status: criteria provided, single submitter (1 of 4 stars). 3 submissions from 3 submitters: Pathogenic (1). 2 of the submissions do not count toward it. Last evaluated 2024-07-26.

Conditions:
Microangiopathy and leukoencephalopathy, pontine, autosomal dominant. Also called: DEMENTIA, HEREDITARY MULTI-INFARCT, SWEDISH TYPE; Pontine autosomal dominant microangiopathy with leukoencephalopathy. Identifiers: Orphanet 477749, MedGen C5231411, MONDO:0032814, OMIM 618564.

Submissions (3):

GeneDx
Classification: Pathogenic. Last evaluated: 2024-07-26. Review status: criteria provided, single submitter. Criteria: GeneDx Variant Classification Process June 2021. Collection method: clinical testing. Allele origin: germline. Affected: yes.
Comment: Affects a glycine residue in a Gly-X-Y motif in the triple helical region of the COL4A1 gene, where the majority of pathogenic missense variants occur, and is predicted to disrupt normal protein folding and function (HGMD; PMID: 22522439, 23225343); Not observed at significant frequency in large population cohorts (gnomAD); In silico analysis supports that this missense variant has a deleterious effect on protein structure/function; This variant is associated with the following publications: (PMID: 36755623, 33057194, 35982159, 30315939, 30837194, 31618753, 35150448, 34145886, 22522439, 23225343, 33528536, 25425218)

Zotz-Klimas Genetics Lab, MVZ Zotz Klimas
Classification: Likely pathogenic for Microangiopathy and leukoencephalopathy, pontine, autosomal dominant. Last evaluated: 2023-11-02. Review status: no assertion criteria provided. Collection method: clinical testing. Allele origin: germline. Affected: yes. Not counted in ClinVar's aggregate classification.

Center for Molecular Medicine, Children’s Hospital of Fudan University
Classification: Pathogenic for Microangiopathy and leukoencephalopathy, pontine, autosomal dominant. Last evaluated: 2022-02-08. Review status: no assertion criteria provided. Collection method: clinical testing. Allele origin: de novo. Affected: yes. Not counted in ClinVar's aggregate classification.

Literature cited by the submitters: PubMed 25425218 (cited by Center for Molecular Medicine, Children’s Hospital of Fudan University).